The following is an entry in ClinVar:

ClinVar aggregate classification (germline): Conflicting classifications of pathogenicity. Review status: criteria provided, conflicting classifications (1 of 4 stars). 2 submissions from 2 submitters: Likely pathogenic (1); Uncertain significance (1). Last evaluated 2022-08-29.

Conditions:
BEST1-related disorder. Also called: BEST1-related disorders; BEST1-related condition. Identifiers: MedGen CN239200.

Submissions (2):

Labcorp Genetics (formerly Invitae), Labcorp
Classification: Uncertain significance. Last evaluated: 2022-08-29. Review status: criteria provided, single submitter. Criteria: Invitae Variant Classification Sherloc (09022015). Collection method: clinical testing. Allele origin: germline.
Comment: In summary, the available evidence is currently insufficient to determine the role of this variant in disease. Therefore, it has been classified as a Variant of Uncertain Significance. Advanced modeling of protein sequence and biophysical properties (such as structural, functional, and spatial information, amino acid conservation, physicochemical variation, residue mobility, and thermodynamic stability) performed at Invitae indicates that this missense variant is expected to disrupt BEST1 protein function. ClinVar contains an entry for this variant (Variation ID: 1360693). This variant has not been reported in the literature in individuals affected with BEST1-related conditions. This variant is not present in population databases (gnomAD no frequency). This sequence change replaces arginine, which is basic and polar, with cysteine, which is neutral and slightly polar, at codon 150 of the BEST1 protein (p.Arg150Cys).

Blueprint Genetics
Classification: Likely pathogenic for BEST1-related disorders. Last evaluated: 2021-11-26. Review status: criteria provided, single submitter. Criteria: ACMG Guidelines, 2015. Collection method: clinical testing. Allele origin: germline. Affected: yes. Observed: 1 variant allele.

NM_004183.4(BEST1):c.448C>T (p.Arg150Cys)

Gene: BEST1 (bestrophin 1; plus strand). Cytogenetic location: 11q12.3.
Variant type: single nucleotide variant.
Coding change: c.448C>T on transcript NM_004183.4 (MANE Select); coding-DNA position 448, C replaced by T.
Protein change: p.Arg150Cys; replaces arginine 150 with cysteine.
Molecular consequence: missense variant. On other transcripts: non-coding transcript variant (1).
Genome position (GRCh38, 1-based): chr11:61,955,918, C>T. VCF-style: chr11-61955918-C-T. GRCh37 (hg19) VCF-style: chr11-61723390-C-T.
Other names: c.268C>T, p.Arg90Cys (NM_001139443.3, NM_001300786.2, NM_001300787.2); c.130C>T, p.Arg44Cys (NM_001363591.3); c.448C>T, p.Arg150Cys (NM_001363592.2); c.-728C>T (NM_001363593.3); short protein forms R44C, R90C, R150C.
Identifiers: ClinVar variation 1360693 (VCV001360693.9), dbSNP rs1177798663, ClinGen allele CA380835419.